The following is an entry in ClinVar:

NM_000212.3(ITGB3):c.761A>G (p.Gln254Arg)

Genes: ITGB3 (integrin subunit beta 3; plus strand), LOC130061044 (ATAC-STARR-seq lymphoblastoid active region 12308; plus strand). Cytogenetic location: 17q21.32.
Variant type: single nucleotide variant.
Coding change: c.761A>G on transcript NM_000212.3 (MANE Select); coding-DNA position 761, A replaced by G.
Protein change: p.Gln254Arg; replaces glutamine 254 with arginine.
Molecular consequence: missense variant.
Genome position (GRCh38, 1-based): chr17:47,286,406, A>G. VCF-style: chr17-47286406-A-G. GRCh37 (hg19) VCF-style: chr17-45363772-A-G.
Other names: c.761A>G (NM_000212.2); short protein forms Q254R.
Identifiers: ClinVar variation 627131 (VCV000627131.5), dbSNP rs1598690979, ClinGen allele CA400023678.

ClinVar aggregate classification (germline): Likely pathogenic. Review status: reviewed by expert panel (3 of 4 stars). 2 submissions from 2 submitters: Likely pathogenic (1). 1 of the submissions does not count toward it. Last evaluated 2023-12-19.

Conditions:
Glanzmann thrombasthenia. Also called: BLEEDING DISORDER, PLATELET-TYPE, 2; THROMBASTHENIA OF GLANZMANN AND NAEGELI; Thrombasthenia; PLATELET GLYCOPROTEIN IIb-IIIa DEFICIENCY; Glanzmann's thrombasthenia. Identifiers: Orphanet 849, MedGen C0040015, MONDO:0100326.

Submissions (2):

ClinGen Platelet Disorders Variant Curation Expert Panel, ClinGen
Classification: Likely pathogenic for Glanzmann thrombasthenia. Last evaluated: 2023-12-19. Review status: reviewed by expert panel. Criteria: ClinGen Platelet ACMG Specifications v2-1. Collection method: curation. Allele origin: germline. Inheritance: Autosomal recessive inheritance.
Comment: NM_000212.2(ITGB3):c.761A>G (p.Gln254Arg) missense variant has been reported in at least one homozygous GT proband (PMID: 31064749; PM3_Supporting). Personal communication with the authors provided sufficient information to apply PP4_strong; including impaired aggregation with at least 3 agonists, an expected ristocetin response, and flow cytometry revealed <5% expression of GpIIb/IIIa. The variant is absent from all population databases including gnomAD (PM2_Supporting). Computational evidence supports a deleterious effect with a REVEL score of 0.951 (PP3). It occurs at the same amino acid residue as Likely Pathogenic variant Gln254Lys (PM5_Supporting). In summary this variant meets criteria to be classified as likely pathogenic for GT. GT-specific criteria applied: PM2_Supporting,PM3_Supporting, PP3, PP4_strong, and PM5_Supporting.

NIHR Bioresource Rare Diseases, University of Cambridge
Classification: Likely pathogenic for Glanzmann thrombasthenia 1. Last evaluated: 2019-02-01. Review status: criteria provided, single submitter. Criteria: ACMG Guidelines, 2015. Collection method: research. Allele origin: unknown. Affected: yes. Observed: 1 homozygote. Study: ThromboGenomics. Not counted in ClinVar's aggregate classification.

Literature cited by the submitters: PubMed 31064749 (cited by NIHR Bioresource Rare Diseases, University of Cambridge).